The following is an entry in ClinVar:

NM_015272.5(RPGRIP1L):c.173A>G (p.His58Arg)

Gene: RPGRIP1L (RPGRIP1 like; minus strand). Cytogenetic location: 16q12.2.
Variant type: single nucleotide variant.
Coding change: c.173A>G on transcript NM_015272.5 (MANE Select); coding-DNA position 173, A replaced by G.
Protein change: p.His58Arg; replaces histidine 58 with arginine.
Molecular consequence: missense variant.
Genome position (GRCh38, 1-based): chr16:53,696,208, T>C on the plus strand (A>G on the coding strand, the complement: RPGRIP1L is on the minus strand). VCF-style: chr16-53696208-T-C. GRCh37 (hg19) VCF-style: chr16-53730120-T-C.
Other names: c.173A>G, p.His58Arg (NM_001127897.4, NM_001308334.3, NM_001328422.2 and 2 more transcripts); short protein forms H58R.
Identifiers: ClinVar variation 2042418 (VCV002042418.2), dbSNP rs756011104, ClinGen allele CA8058196.

ClinVar aggregate classification (germline): Uncertain significance (1 of 4 stars; one submission).

Conditions:
Joubert syndrome. Also called: CEREBELLOPARENCHYMAL DISORDER IV; JOUBERT-BOLTSHAUSER SYNDROME; Familial aplasia of the vermis. Identifiers: Orphanet 475, MedGen C5979921, MONDO:0018772.
Meckel-Gruber syndrome. Also called: DYSENCEPHALIA SPLANCHNOCYSTICA; GRUBER SYNDROME; Dysencephalia splachnocystica. Identifiers: Orphanet 564, MedGen C0265215, MONDO:0018921.

Allele frequency attached by ClinVar (database versions not stated): gnomAD exomes 0.00001; ExAC 0.00002.
gnomAD v4.1: 7 of 1,614,090 alleles (0.00043%); highest among the groups gnomAD compares: Non-Finnish European, 0.00059%; no homozygotes.

Submission:

Labcorp Genetics (formerly Invitae), Labcorp
Classification: Uncertain significance for Joubert syndrome; Meckel-Gruber syndrome. Last evaluated: 2022-06-27. Review status: criteria provided, single submitter. Criteria: Invitae Variant Classification Sherloc (09022015). Collection method: clinical testing. Allele origin: germline.
Comment: This variant has not been reported in the literature in individuals affected with RPGRIP1L-related conditions. This variant is present in population databases (rs756011104, gnomAD 0.004%). This sequence change replaces histidine, which is basic and polar, with arginine, which is basic and polar, at codon 58 of the RPGRIP1L protein (p.His58Arg). Algorithms developed to predict the effect of missense changes on protein structure and function output the following: SIFT: "Tolerated"; PolyPhen-2: "Benign"; Align-GVGD: "Class C0". The arginine amino acid residue is found in multiple mammalian species, which suggests that this missense change does not adversely affect protein function. In summary, the available evidence is currently insufficient to determine the role of this variant in disease. Therefore, it has been classified as a Variant of Uncertain Significance.